The following is an entry in ClinVar:

ClinVar aggregate classification (germline): Uncertain significance (1 of 4 stars; one submission).

Conditions:
Hereditary spastic paraplegia 7 (SPG7). Also called: SPASTIC PARAPLEGIA 7, AUTOSOMAL RECESSIVE, WITH OR WITHOUT CEREBELLAR ATAXIA; SPG7-related neurologic disorder; Spastic paraplegia 7; Hereditary spastic paraplegia Paraplegin type; Autosomal recessive spastic paraplegia type 7. Identifiers: Orphanet 99013, MedGen C1846564, MONDO:0011803, OMIM 607259.

gnomAD v4.1: 3 of 1,613,924 alleles (0.00019%); highest among the groups gnomAD compares: African/African-American, 0.0027%; no homozygotes.

Submission:

Labcorp Genetics (formerly Invitae), Labcorp
Classification: Uncertain significance for Hereditary spastic paraplegia 7. Last evaluated: 2024-04-09. Review status: criteria provided, single submitter. Criteria: Invitae Variant Classification Sherloc (09022015). Collection method: clinical testing. Allele origin: germline.
Comment: This sequence change replaces tyrosine, which is neutral and polar, with histidine, which is basic and polar, at codon 740 of the SPG7 protein (p.Tyr740His). The frequency data for this variant in the population databases is considered unreliable, as metrics indicate poor data quality at this position in the gnomAD database. This variant has not been reported in the literature in individuals affected with SPG7-related conditions. Advanced modeling of protein sequence and biophysical properties (such as structural, functional, and spatial information, amino acid conservation, physicochemical variation, residue mobility, and thermodynamic stability) performed at Invitae indicates that this missense variant is not expected to disrupt SPG7 protein function with a negative predictive value of 80%. In summary, the available evidence is currently insufficient to determine the role of this variant in disease. Therefore, it has been classified as a Variant of Uncertain Significance.

NM_003119.4(SPG7):c.2218T>C (p.Tyr740His)

Gene: SPG7 (SPG7 matrix AAA peptidase subunit, paraplegin; plus strand). Cytogenetic location: 16q24.3.
Variant type: single nucleotide variant.
Coding change: c.2218T>C on transcript NM_003119.4 (MANE Select); coding-DNA position 2218, T replaced by C.
Protein change: p.Tyr740His; replaces tyrosine 740 with histidine.
Molecular consequence: missense variant.
Genome position (GRCh38, 1-based): chr16:89,556,923, T>C. VCF-style: chr16-89556923-T-C. GRCh37 (hg19) VCF-style: chr16-89623331-T-C.
Other names: c.2426T>C, p.Leu809Pro (NM_001363850.1); short protein forms Y740H, L809P.
Identifiers: ClinVar variation 3705322 (VCV003705322.2).